The following is an entry in ClinVar:

ClinVar aggregate classification (germline): Uncertain significance. Review status: criteria provided, multiple submitters, no conflicts (2 of 4 stars). 5 submissions from 5 submitters: Uncertain significance (5). Last evaluated 2024-12-17.

Conditions:
Inborn genetic diseases. Identifiers: MedGen C0950123, MeSH D030342.
Developmental and epileptic encephalopathy, 18 (DEE18). Also called: Early infantile epileptic encephalopathy 18. Identifiers: Orphanet 369894, MedGen C3809624, MONDO:0014201, OMIM 615476.

Allele frequency attached by ClinVar (database versions not stated): gnomAD exomes 0.00001 and 0.00003; ExAC 0.00001; gnomAD 0.00005; TOPMed 0.00003.
gnomAD v4.1: 53 of 1,593,726 alleles (0.0033%); highest among the groups gnomAD compares: Middle Eastern, 0.017%; no homozygotes.

Submissions (5):

Ambry Genetics
Classification: Uncertain significance for Inborn genetic diseases. Last evaluated: 2024-12-17. Review status: criteria provided, single submitter. Criteria: Ambry Variant Classification Scheme 2023. Collection method: clinical testing. Allele origin: germline.

GeneDx
Classification: Uncertain significance. Last evaluated: 2024-12-06. Review status: criteria provided, single submitter. Criteria: GeneDx Variant Classification Process June 2021. Collection method: clinical testing. Allele origin: germline.
Comment: Not observed at significant frequency in large population cohorts (gnomAD); In silico analysis supports that this missense variant has a deleterious effect on protein structure/function; Has not been previously published as pathogenic or benign to our knowledge

Genome-Nilou Lab
Classification: Uncertain significance for Developmental and epileptic encephalopathy, 18. Last evaluated: 2023-04-11. Review status: criteria provided, single submitter. Criteria: ACMG Guidelines, 2015. Collection method: clinical testing. Allele origin: germline. Affected: no.

Labcorp Genetics (formerly Invitae), Labcorp
Classification: Uncertain significance. Last evaluated: 2023-04-09. Review status: criteria provided, single submitter. Criteria: Invitae Variant Classification Sherloc (09022015). Collection method: clinical testing. Allele origin: germline.
Comment: This variant is present in population databases (rs747998865, gnomAD 0.01%). In summary, the available evidence is currently insufficient to determine the role of this variant in disease. Therefore, it has been classified as a Variant of Uncertain Significance. Advanced modeling of protein sequence and biophysical properties (such as structural, functional, and spatial information, amino acid conservation, physicochemical variation, residue mobility, and thermodynamic stability) performed at Invitae indicates that this missense variant is expected to disrupt SZT2 protein function. ClinVar contains an entry for this variant (Variation ID: 1008741). This variant has not been reported in the literature in individuals affected with SZT2-related conditions. This sequence change replaces arginine, which is basic and polar, with histidine, which is basic and polar, at codon 581 of the SZT2 protein (p.Arg581His).

Blueprint Genetics
Classification: Uncertain significance. Last evaluated: 2018-07-04. Review status: criteria provided, single submitter. Criteria: ACMG Guidelines, 2015. Collection method: clinical testing. Allele origin: germline.

NM_001365999.1(SZT2):c.1742G>A (p.Arg581His)

Gene: SZT2 (SZT2 subunit of KICSTOR complex; plus strand). Cytogenetic location: 1p34.2.
Variant type: single nucleotide variant.
Coding change: c.1742G>A on transcript NM_001365999.1 (MANE Select); coding-DNA position 1742, G replaced by A.
Protein change: p.Arg581His; replaces arginine 581 with histidine.
Molecular consequence: missense variant.
Genome position (GRCh38, 1-based): chr1:43,422,198, G>A. VCF-style: chr1-43422198-G-A. GRCh37 (hg19) VCF-style: chr1-43887869-G-A.
Other names: c.1742G>A, p.Arg581His (NM_015284.4); short protein forms R581H.
Identifiers: ClinVar variation 1008741 (VCV001008741.13), dbSNP rs747998865, ClinGen allele CA808491.